The following is an entry in ClinVar:

ClinVar aggregate classification (germline): Uncertain significance (1 of 4 stars; one submission).

Submission:

Labcorp Genetics (formerly Invitae), Labcorp
Classification: Uncertain significance. Last evaluated: 2024-10-15. Review status: criteria provided, single submitter. Criteria: Invitae Variant Classification Sherloc (09022015). Collection method: clinical testing. Allele origin: germline.
Comment: This sequence change replaces leucine, which is neutral and non-polar, with phenylalanine, which is neutral and non-polar, at codon 378 of the CTNNA1 protein (p.Leu378Phe). This variant is not present in population databases (gnomAD no frequency). This variant has not been reported in the literature in individuals affected with CTNNA1-related conditions. Invitae Evidence Modeling of protein sequence and biophysical properties (such as structural, functional, and spatial information, amino acid conservation, physicochemical variation, residue mobility, and thermodynamic stability) indicates that this missense variant is expected to disrupt CTNNA1 protein function with a positive predictive value of 80%. In summary, the available evidence is currently insufficient to determine the role of this variant in disease. Therefore, it has been classified as a Variant of Uncertain Significance.

NM_001903.5(CTNNA1):c.1134G>C (p.Leu378Phe)

Gene: CTNNA1 (catenin alpha 1; plus strand). Cytogenetic location: 5q31.2.
Variant type: single nucleotide variant.
Coding change: c.1134G>C on transcript NM_001903.5 (MANE Select); coding-DNA position 1134, G replaced by C.
Protein change: p.Leu378Phe; replaces leucine 378 with phenylalanine.
Molecular consequence: missense variant. On other transcripts: 5 prime UTR variant (5), intron variant (2).
Genome position (GRCh38, 1-based): chr5:138,886,283, G>C. VCF-style: chr5-138886283-G-C. GRCh37 (hg19) VCF-style: chr5-138221972-G-C.
Other names: c.1134G>C, p.Leu378Phe (NM_001290307.3, NM_001323982.2, NM_001323983.1 and 3 more transcripts); c.825G>C, p.Leu275Phe (NM_001290309.3); c.765G>C, p.Leu255Phe (NM_001290310.3); c.24G>C, p.Leu8Phe (NM_001290312.1, NM_001323987.1, NM_001323988.1 and 18 more transcripts); c.-374G>C (NM_001324006.1, NM_001324007.1, NM_001324008.1 and 1 more transcripts); c.-249G>C (NM_001324013.1); c.-58+10686G>C (NM_001324012.1); c.-61+10686G>C (NM_001324010.1); short protein forms L255F, L275F, L378F, L8F.
Identifiers: ClinVar variation 3713282 (VCV003713282.2).